The following is an entry in ClinVar:

NM_006648.4(WNK2):c.346C>A (p.Pro116Thr)

Gene: WNK2 (WNK lysine deficient protein kinase 2; plus strand). Cytogenetic location: 9q22.31.
Variant type: single nucleotide variant.
Coding change: c.346C>A on transcript NM_006648.4 (MANE Select); coding-DNA position 346, C replaced by A.
Protein change: p.Pro116Thr; replaces proline 116 with threonine.
Molecular consequence: missense variant.
Genome position (GRCh38, 1-based): chr9:93,185,275, C>A. VCF-style: chr9-93185275-C-A. GRCh37 (hg19) VCF-style: chr9-95947557-C-A.
Other names: c.346C>A, p.Pro116Thr (NM_001282394.3); short protein forms P116T.
Identifiers: ClinVar variation 5031920 (VCV005031920.1).

ClinVar aggregate classification (germline): Uncertain significance (1 of 4 stars; one submission).

Submission:

Ambry Genetics
Classification: Uncertain significance. Last evaluated: 2026-08-10. Review status: criteria provided, single submitter. Criteria: Ambry Variant Classification Scheme 2023. Collection method: clinical testing. Allele origin: germline.
Comment: The p.P116T variant (also known as c.346C>A), located in coding exon 1 of the WNK2 gene, results from a C to A substitution at nucleotide position 346. The proline at codon 116 is replaced by threonine, an amino acid with highly similar properties. This amino acid position is conserved. In addition, this alteration is predicted to be tolerated by in silico analysis. Based on the available evidence, the clinical significance of this variant remains unclear.